The following is an entry in ClinVar:

NM_001256789.3(CACNA1F):c.3368G>A (p.Gly1123Asp)

Gene: CACNA1F (calcium voltage-gated channel subunit alpha1 F; minus strand). Cytogenetic location: Xp11.23.
Variant type: single nucleotide variant.
Coding change: c.3368G>A on transcript NM_001256789.3 (MANE Select); coding-DNA position 3368, G replaced by A.
Protein change: p.Gly1123Asp; replaces glycine 1123 with aspartic acid.
Molecular consequence: missense variant.
Genome position (GRCh38, 1-based): chrX:49,215,412, C>T on the plus strand (G>A on the coding strand, the complement: CACNA1F is on the minus strand). VCF-style: chrX-49215412-C-T. GRCh37 (hg19) VCF-style: chrX-49071872-C-T.
Other names: c.3401G>A (NM_005183.2); c.3206G>A, p.Gly1069Asp (NM_001256790.3); c.3401G>A, p.Gly1134Asp (NM_005183.4); short protein forms G1069D, G1134D, G1123D.
Identifiers: ClinVar variation 3704502 (VCV003704502.3).

ClinVar aggregate classification (germline): Uncertain significance. Review status: criteria provided, multiple submitters, no conflicts (2 of 4 stars). 2 submissions from 2 submitters: Uncertain significance (2). Last evaluated 2024-09-10.

Submissions (2):

GeneDx
Classification: Uncertain significance. Last evaluated: 2024-09-10. Review status: criteria provided, single submitter. Criteria: GeneDx Variant Classification Process June 2021. Collection method: clinical testing. Allele origin: germline. Affected: yes.
Comment: Not observed at significant frequency in large population cohorts (gnomAD); In silico analysis supports that this missense variant has a deleterious effect on protein structure/function; This variant is associated with the following publications: (PMID: 33369259, 30067413, 37644014)

Labcorp Genetics (formerly Invitae), Labcorp
Classification: Uncertain significance. Last evaluated: 2024-05-08. Review status: criteria provided, single submitter. Criteria: Invitae Variant Classification Sherloc (09022015). Collection method: clinical testing. Allele origin: germline.
Comment: This sequence change replaces glycine, which is neutral and non-polar, with aspartic acid, which is acidic and polar, at codon 1134 of the CACNA1F protein (p.Gly1134Asp). This variant is not present in population databases (gnomAD no frequency). This missense change has been observed in individuals with congenital stationary night blindness (PMID: 30067413). Advanced modeling of protein sequence and biophysical properties (such as structural, functional, and spatial information, amino acid conservation, physicochemical variation, residue mobility, and thermodynamic stability) performed at Invitae indicates that this missense variant is expected to disrupt CACNA1F protein function with a positive predictive value of 80%. In summary, the available evidence is currently insufficient to determine the role of this variant in disease. Therefore, it has been classified as a Variant of Uncertain Significance.

Literature cited by the submitters: PubMed 30067413 (cited by Labcorp Genetics (formerly Invitae), Labcorp).